The following is an entry in ClinVar:

NM_016343.4(CENPF):c.6336G>C (p.Glu2112Asp)

Gene: CENPF (centromere protein F; plus strand). Cytogenetic location: 1q41.
Variant type: single nucleotide variant.
Coding change: c.6336G>C on transcript NM_016343.4 (MANE Select); coding-DNA position 6336, G replaced by C.
Protein change: p.Glu2112Asp; replaces glutamic acid 2112 with aspartic acid.
Molecular consequence: missense variant.
Genome position (GRCh38, 1-based): chr1:214,645,906, G>C. VCF-style: chr1-214645906-G-C. GRCh37 (hg19) VCF-style: chr1-214819249-G-C.
Other names: short protein forms E2112D.
Identifiers: ClinVar variation 420408 (VCV000420408.2), dbSNP rs1051535775, ClinGen allele CA16617052.

ClinVar aggregate classification (germline): Uncertain significance (1 of 4 stars; one submission).

Allele frequency attached by ClinVar (database versions not stated): gnomAD exomes below 0.00001; TOPMed 0.00003.
gnomAD v4.1: 2 of 1,614,010 alleles (0.00012%); highest among the groups gnomAD compares: Non-Finnish European, 0.00017%; no homozygotes.

Submission:

GeneDx
Classification: Uncertain significance. Last evaluated: 2017-01-27. Review status: criteria provided, single submitter. Criteria: GeneDx Variant Classification (06012015). Collection method: clinical testing. Allele origin: germline. Affected: yes.
Comment: The E2112D variant in the CENPF gene has not been reported previously as a pathogenic variant, nor as a benign variant, to our knowledge. This variant was not observed in approximately 6500 individuals of European and African American ancestry in the NHLBI Exome Sequencing Project, indicating it is not a common benign variant in these populations. The E2112D variant is a conservative amino acid substitution, which is not likely to impact secondary protein structure as these residues share similar properties. This substitution occurs at a position that is conserved in mammals. In silico analysis is inconsistent in its predictions as to whether or not the variant is damaging to the protein structure/function. We interpret E2112D as a variant of uncertain significance.